The following is an entry in ClinVar:

ClinVar aggregate classification (germline): Uncertain significance. Review status: criteria provided, multiple submitters, no conflicts (2 of 4 stars). 5 submissions from 5 submitters: Uncertain significance (5). Last evaluated 2024-03-06.

Conditions:
Classic or attenuated familial adenomatous polyposis. Identifiers: MedGen CN372698, MONDO:0021057.
Hereditary cancer-predisposing syndrome. Also called: Neoplastic Syndromes, Hereditary; Tumor predisposition; Hereditary neoplastic syndrome; Hereditary Cancer Syndrome. Identifiers: Orphanet 140162, MedGen C0027672, MeSH D009386, MONDO:0015356.
Familial adenomatous polyposis 1 (FAP1). Also called: FAMILIAL ADENOMATOUS POLYPOSIS 1, ATTENUATED; POLYPOSIS, ADENOMATOUS INTESTINAL. Identifiers: MedGen C2713442, MONDO:0021056, OMIM 175100. Disease mechanism: loss of function.

Allele frequency attached by ClinVar (database versions not stated): gnomAD exomes below 0.00001.
gnomAD v4.1: 1 of 1,609,100 alleles (0.000062%); highest among the groups gnomAD compares: Non-Finnish European, 0.000085%; no homozygotes.

Submissions (5):

Color Diagnostics, LLC DBA Color Health
Classification: Uncertain significance for Hereditary cancer-predisposing syndrome. Last evaluated: 2024-03-06. Review status: criteria provided, single submitter. Criteria: ACMG Guidelines, 2015. Collection method: clinical testing. Allele origin: germline.
Comment: This missense variant replaces lysine with glutamic acid at codon 153 of the APC protein. Computational prediction suggests that this variant may not impact protein structure and function (internally defined REVEL score threshold <= 0.5, PMID: 27666373). To our knowledge, functional studies have not been reported for this variant. This variant has not been reported in individuals affected with APC-related disorders in the literature. This variant has not been identified in the general population by the Genome Aggregation Database (gnomAD). The available evidence is insufficient to determine the role of this variant in disease conclusively. Therefore, this variant is classified as a Variant of Uncertain Significance.

Ambry Genetics
Classification: Uncertain significance for Hereditary cancer-predisposing syndrome. Last evaluated: 2024-01-30. Review status: criteria provided, single submitter. Criteria: Ambry Variant Classification Scheme 2023. Collection method: clinical testing. Allele origin: germline.
Comment: The p.K153E variant (also known as c.457A>G), located in coding exon 4 of the APC gene, results from an A to G substitution at nucleotide position 457. The lysine at codon 153 is replaced by glutamic acid, an amino acid with similar properties. This amino acid position is highly conserved in available vertebrate species. Based on the available evidence, the clinical significance of this alteration remains unclear.

All of Us Research Program, National Institutes of Health
Classification: Uncertain significance for Classic or attenuated familial adenomatous polyposis. Last evaluated: 2024-01-08. Review status: criteria provided, single submitter. Criteria: ACMG Guidelines, 2015. Collection method: clinical testing. Allele origin: germline. Inheritance: Autosomal dominant inheritance. Observed: 1 variant allele, 1 heterozygote.
Comment: This missense variant replaces lysine with glutamic acid at codon 153 of the APC protein. Computational prediction suggests that this variant may not impact protein structure and function (internally defined REVEL score threshold <= 0.5, PMID: 27666373). To our knowledge, functional studies have not been reported for this variant. This variant has not been reported in individuals affected with APC-related disorders in the literature. This variant has not been identified in the general population by the Genome Aggregation Database (gnomAD). The available evidence is insufficient to determine the role of this variant in disease conclusively. Therefore, this variant is classified as a Variant of Uncertain Significance.

This study involves interpretation of variants in research participants for the purpose of population health screening. Participant phenotype was not available at the time of variant classification. Additional details can be found in publication PMID: 35346344, PMCID: PMC8962531

GeneDx
Classification: Uncertain significance. Last evaluated: 2023-05-01. Review status: criteria provided, single submitter. Criteria: GeneDx Variant Classification Process June 2021. Collection method: clinical testing. Allele origin: germline. Affected: yes.
Comment: Not observed at significant frequency in large population cohorts (gnomAD); In silico analysis supports that this missense variant has a deleterious effect on protein structure/function; Has not been previously published as pathogenic or benign to our knowledge

Labcorp Genetics (formerly Invitae), Labcorp
Classification: Uncertain significance for Familial adenomatous polyposis 1. Last evaluated: 2019-03-13. Review status: criteria provided, single submitter. Criteria: Invitae Variant Classification Sherloc (09022015). Collection method: clinical testing. Allele origin: germline.
Comment: In summary, the available evidence is currently insufficient to determine the role of this variant in disease. Therefore, it has been classified as a Variant of Uncertain Significance. Algorithms developed to predict the effect of missense changes on protein structure and function do not agree on the potential impact of this missense change (SIFT: "Deleterious"; PolyPhen-2: "Possibly Damaging"; Align-GVGD: "Class C0"). This variant has not been reported in the literature in individuals with APC-related disease. This variant is not present in population databases (ExAC no frequency). This sequence change replaces lysine with glutamic acid at codon 153 of the APC protein (p.Lys153Glu). The lysine residue is highly conserved and there is a small physicochemical difference between lysine and glutamic acid.

NM_000038.6(APC):c.457A>G (p.Lys153Glu)

Gene: APC (APC regulator of Wnt signaling pathway; plus strand). Cytogenetic location: 5q22.2.
Variant type: single nucleotide variant.
Coding change: c.457A>G on transcript NM_000038.6 (MANE Select); coding-DNA position 457, A replaced by G.
Protein change: p.Lys153Glu; replaces lysine 153 with glutamic acid.
Molecular consequence: missense variant. On other transcripts: 5 prime UTR variant (1).
Genome position (GRCh38, 1-based): chr5:112,775,663, A>G. VCF-style: chr5-112775663-A-G. GRCh37 (hg19) VCF-style: chr5-112111360-A-G.
Other names: c.457A>G, p.Lys153Glu (NM_001127510.3, NM_001354895.2, NM_001354896.2 and 2 more transcripts); c.487A>G, p.Lys163Glu (NM_001127511.3, NM_001354897.2, NM_001354902.2); c.382A>G, p.Lys128Glu (NM_001354898.2, NM_001354904.2); c.280A>G, p.Lys94Glu (NM_001354900.2, NM_001354901.2, NM_001354905.2); c.-579A>G (NM_001354906.2); short protein forms K163E, K153E, K128E, K94E.
Identifiers: ClinVar variation 580747 (VCV000580747.16), dbSNP rs1561477861, ClinGen allele CA16022318.
Genomic context (GRCh38, chr5:112,775,663, plus strand): 5'-ACCTTTTTTTAAAAAAAAAAAAATAGGTCATTGCTTCTTGCTGATCTTGACAAAGAAGAA[A>G]AGGAAAAAGACTGGTATTACGCTCAACTTCAGAATCTCACTAAAAGAATAGATAGTCTTC-3'
Protein context (NP_000029.2, residues 143-163): LLLADLDKEE[Lys153Glu]EKDWYYAQLQ